The following is an entry in ClinVar:

NM_001194998.2(CEP152):c.1322-1G>C

Gene: CEP152 (centrosomal protein 152; minus strand). Cytogenetic location: 15q21.1.
Variant type: single nucleotide variant.
Coding change: c.1322-1G>C on transcript NM_001194998.2 (MANE Select); the canonical splice acceptor site of the intron before coding-DNA position 1322, G replaced by C.
Molecular consequence: splice acceptor variant.
Genome position (GRCh38, 1-based): chr15:48,782,231, C>G on the plus strand (G>C on the coding strand, the complement: CEP152 is on the minus strand). VCF-style: chr15-48782231-C-G. GRCh37 (hg19) VCF-style: chr15-49074428-C-G.
Other names: c.1322-1G>C (NM_014985.4).
Identifiers: ClinVar variation 3019016 (VCV003019016.3), dbSNP rs746795974, ClinGen allele CA7548868.

ClinVar aggregate classification (germline): Likely pathogenic (1 of 4 stars; one submission).

Allele frequency attached by ClinVar (database versions not stated): gnomAD exomes below 0.00001; ExAC 0.00001; TOPMed 0.00002; gnomAD 0.00003.
gnomAD v4.1: 6 of 1,613,480 alleles (0.00037%); highest among the groups gnomAD compares: African/African-American, 0.008%; no homozygotes.

Submission:

Labcorp Genetics (formerly Invitae), Labcorp
Classification: Likely pathogenic. Last evaluated: 2023-07-07. Review status: criteria provided, single submitter. Criteria: Invitae Variant Classification Sherloc (09022015). Collection method: clinical testing. Allele origin: germline.
Comment: This sequence change affects an acceptor splice site in intron 10 of the CEP152 gene. It is expected to disrupt RNA splicing. Variants that disrupt the donor or acceptor splice site typically lead to a loss of protein function (PMID: 16199547), and loss-of-function variants in CEP152 are known to be pathogenic (PMID: 21131973). This variant is present in population databases (rs746795974, gnomAD 0.007%). This variant has not been reported in the literature in individuals affected with CEP152-related conditions. Algorithms developed to predict the effect of sequence changes on RNA splicing suggest that this variant may disrupt the consensus splice site. In summary, the currently available evidence indicates that the variant is pathogenic, but additional data are needed to prove that conclusively. Therefore, this variant has been classified as Likely Pathogenic.

Literature cited by the submitters: PubMed 16199547; PubMed 21131973.